The following is an entry in ClinVar:

ClinVar aggregate classification (germline): Uncertain significance (1 of 4 stars; one submission).

Conditions:
Bardet-Biedl syndrome 16 (BBS16). Identifiers: Orphanet 110, MedGen C3889474, MONDO:0014444, OMIM 615993.
Senior-Loken syndrome 7 (SLSN7). Identifiers: Orphanet 3156, MedGen C3150877, MONDO:0013326, OMIM 613615.

Allele frequency attached by ClinVar (database versions not stated): gnomAD exomes 0.00001.
gnomAD v4.1: 14 of 1,613,900 alleles (0.00087%); highest among the groups gnomAD compares: Non-Finnish European, 0.0012%; no homozygotes.

Submission:

Labcorp Genetics (formerly Invitae), Labcorp
Classification: Uncertain significance for Bardet-Biedl syndrome 16; Senior-Loken syndrome 7. Last evaluated: 2022-05-11. Review status: criteria provided, single submitter. Criteria: Invitae Variant Classification Sherloc (09022015). Collection method: clinical testing. Allele origin: germline.
Comment: This sequence change replaces methionine, which is neutral and non-polar, with isoleucine, which is neutral and non-polar, at codon 392 of the SDCCAG8 protein (p.Met392Ile). This variant is present in population databases (no rsID available, gnomAD 0.0009%). This variant has not been reported in the literature in individuals affected with SDCCAG8-related conditions. Algorithms developed to predict the effect of missense changes on protein structure and function (SIFT, PolyPhen-2, Align-GVGD) all suggest that this variant is likely to be tolerated. In summary, the available evidence is currently insufficient to determine the role of this variant in disease. Therefore, it has been classified as a Variant of Uncertain Significance.

NM_006642.5(SDCCAG8):c.1176G>A (p.Met392Ile)

Gene: SDCCAG8 (SHH signaling and ciliogenesis regulator SDCCAG8; plus strand). Cytogenetic location: 1q43.
Variant type: single nucleotide variant.
Coding change: c.1176G>A on transcript NM_006642.5 (MANE Select); coding-DNA position 1176, G replaced by A.
Protein change: p.Met392Ile; replaces methionine 392 with isoleucine.
Molecular consequence: missense variant.
Genome position (GRCh38, 1-based): chr1:243,330,647, G>A. VCF-style: chr1-243330647-G-A. GRCh37 (hg19) VCF-style: chr1-243493949-G-A.
Other names: c.273G>A, p.Met91Ile (NM_001350251.2, NM_001350246.2, NM_001350247.2); c.1272G>A, p.Met424Ile (NM_001350248.2); c.882G>A, p.Met294Ile (NM_001350249.2); short protein forms M91I, M392I, M294I, M424I.
Identifiers: ClinVar variation 1993176 (VCV001993176.1), dbSNP rs1367586020, ClinGen allele CA345482705.